The following is an entry in ClinVar:

ClinVar aggregate classification (germline): Pathogenic. Review status: criteria provided, multiple submitters, no conflicts (2 of 4 stars). 3 submissions from 3 submitters: Pathogenic (2). 1 of the submissions does not count toward it. Last evaluated 2026-05-01.

Conditions:
Alzheimer disease 3 (AD3). Also called: ALZHEIMER DISEASE, FAMILIAL, 3. Identifiers: Orphanet 1020, MedGen C1843013, MONDO:0011913, OMIM 607822.
Pick disease. Also called: Pick's disease; Pick Disease of the Brain; LOBAR ATROPHY OF BRAIN; PICK DISEASE OF BRAIN; DEMENTIA WITH LOBAR ATROPHY AND NEURONAL CYTOPLASMIC INCLUSIONS. Identifiers: Orphanet 282, MedGen C0236642, MONDO:0008243, OMIM 172700.
Acne inversa, familial, 3 (ACNINV3). Identifiers: MedGen C3151038, MONDO:0013398, OMIM 613737.
Frontotemporal dementia (FTD1). Also called: WILHELMSEN-LYNCH DISEASE; Frontotemporal lobe dementia (FLDEM); FRONTOTEMPORAL LOBAR DEGENERATION WITH TAU INCLUSIONS; FTLD WITH TAU INCLUSIONS; Dementia, frontotemporal, with or without parkinsonism; Frontotemporal Dementia with Parkinsonism-17 (FTDP-17). Identifiers: Orphanet 282, MedGen C0338451, MONDO:0017276, OMIM 600274, HP:0002145.
Early onset Alzheimer disease with behavioral disturbance. Identifiers: MedGen C3697680.

Submissions (3):

CeGaT Center for Human Genetics Tuebingen
Classification: Pathogenic. Last evaluated: 2026-05-01. Review status: criteria provided, single submitter. Criteria: CeGaT Center For Human Genetics Tuebingen Variant Classification Criteria Version 2. Collection method: clinical testing. Allele origin: germline. Affected: yes. Observed: 1 variant allele.
Comment: PSEN1: PM1, PM2, PM5, PS4:Moderate, PP2, PS3:Supporting

Labcorp Genetics (formerly Invitae), Labcorp
Classification: Pathogenic for Alzheimer disease 3; Pick disease; Acne inversa, familial, 3; Frontotemporal dementia. Last evaluated: 2025-02-26. Review status: criteria provided, single submitter. Criteria: Invitae Variant Classification Sherloc (09022015). Collection method: clinical testing. Allele origin: germline.
Comment: This sequence change replaces valine, which is neutral and non-polar, with isoleucine, which is neutral and non-polar, at codon 261 of the PSEN1 protein (p.Val261Ile). This variant is not present in population databases (gnomAD no frequency). This missense change has been observed in individuals with early-onset Alzheimer disease (PMID: 24928124; internal data). ClinVar contains an entry for this variant (Variation ID: 691947). Invitae Evidence Modeling of protein sequence and biophysical properties (such as structural, functional, and spatial information, amino acid conservation, physicochemical variation, residue mobility, and thermodynamic stability) indicates that this missense variant is expected to disrupt PSEN1 protein function with a positive predictive value of 95%. This variant disrupts the p.Val261 amino acid residue in PSEN1. Other variant(s) that disrupt this residue have been determined to be pathogenic (PMID: 18637955, 24928124). This suggests that this residue is clinically significant, and that variants that disrupt this residue are likely to be disease-causing. For these reasons, this variant has been classified as Pathogenic.

Codex Genetics Limited
Classification: Likely pathogenic for Early onset Alzheimer disease with behavioral disturbance. Last evaluated: 2019-02-28. Review status: no assertion criteria provided. Collection method: provider interpretation. Allele origin: germline. Affected: yes. Not counted in ClinVar's aggregate classification.

Literature cited by the submitters: PubMed 24928124 (cited by Labcorp Genetics (formerly Invitae), Labcorp); PubMed 18637955 (cited by Labcorp Genetics (formerly Invitae), Labcorp and Codex Genetics Limited); PubMed 16267640 (cited by Codex Genetics Limited); PubMed 9007097 (cited by Codex Genetics Limited); PubMed 22581678 (cited by Codex Genetics Limited); PubMed 20157243 (cited by Codex Genetics Limited); PubMed 11524469 (cited by Codex Genetics Limited).

NM_000021.4(PSEN1):c.781G>A (p.Val261Ile)

Gene: PSEN1 (presenilin 1; plus strand). Cytogenetic location: 14q24.2.
Variant type: single nucleotide variant.
Coding change: c.781G>A on transcript NM_000021.4 (MANE Select); coding-DNA position 781, G replaced by A.
Protein change: p.Val261Ile; replaces valine 261 with isoleucine.
Molecular consequence: missense variant.
Genome position (GRCh38, 1-based): chr14:73,198,042, G>A. VCF-style: chr14-73198042-G-A. GRCh37 (hg19) VCF-style: chr14-73664750-G-A.
Other names: c.769G>A, p.Val257Ile (NM_007318.3); short protein forms V257I, V261I.
Identifiers: ClinVar variation 691947 (VCV000691947.7), dbSNP rs63750964, ClinGen allele CA390301925.